The following is an entry in ClinVar:

NM_138773.4(SLC25A46):c.670A>G (p.Thr224Ala)

Gene: SLC25A46 (solute carrier family 25 member 46; plus strand). Cytogenetic location: 5q22.1.
Variant type: single nucleotide variant.
Coding change: c.670A>G on transcript NM_138773.4 (MANE Select); coding-DNA position 670, A replaced by G.
Protein change: p.Thr224Ala; replaces threonine 224 with alanine.
Molecular consequence: missense variant. On other transcripts: non-coding transcript variant (1).
Genome position (GRCh38, 1-based): chr5:110,756,751, A>G. VCF-style: chr5-110756751-A-G. GRCh37 (hg19) VCF-style: chr5-110092451-A-G.
Other names: c.670A>G, p.Thr224Ala (NM_001303249.3); c.397A>G, p.Thr133Ala (NM_001303250.3); short protein forms T133A, T224A.
Identifiers: ClinVar variation 1802228 (VCV001802228.6), dbSNP rs761276607, ClinGen allele CA3364685.

ClinVar aggregate classification (germline): Conflicting classifications of pathogenicity. Review status: criteria provided, conflicting classifications (1 of 4 stars). 4 submissions from 4 submitters: Likely pathogenic (3); Uncertain significance (1). Last evaluated 2025-09-29.

Conditions:
Intellectual disability. Also called: Intellectual functioning disability; intellectual disabilities; Intellectual developmental disorder. Identifiers: MedGen C3714756, MeSH D008607, MONDO:0001071, HP:0001249.
Neuropathy, hereditary motor and sensory, type 6B (HMSN6B). Also called: HMSN VIB; CHARCOT-MARIE-TOOTH DISEASE, TYPE 6B; NEUROPATHY, HEREDITARY MOTOR AND SENSORY, TYPE VIB, WITH OPTIC ATROPHY; Neuropathy, hereditary motor and sensory, type VIB. Identifiers: MedGen C4225302, MONDO:0014671, OMIM 616505.

Allele frequency attached by ClinVar (database versions not stated): gnomAD 0.00001; ExAC 0.00002; gnomAD exomes 0.00001.

Submissions (4):

Human Genome Lab, NIMHANS, National Institute of Mental Health and Neuro Sciences
Classification: Likely pathogenic for Neuropathy, hereditary motor and sensory, type 6B. Last evaluated: 2025-09-29. Review status: criteria provided, single submitter. Criteria: ACMG Guidelines, 2015. Collection method: clinical testing. Allele origin: germline. Inheritance: Autosomal recessive inheritance. Affected: yes. Observed: 1 variant allele, 1 homozygote.
Comment: The missense variant NM_138773.4(SLC25A46):c.670A>G (p.Thr224Ala) causes the same amino acid change as a previously established pathogenic variant. The p.Thr224Ala variant is novel (not in any individuals) in 1kG All. The variant is present in 2 individuals with similar phenotype in homozygous state and 2 individuals in heterozygous state in our inhouse database. The p.Thr224Ala variant is observed in 9/1,559,770 (0.0006%) alleles from individuals of gnomAD v4 All background in gnomAD v4 All only in heterozygous state. The p.Thr224Ala variant is novel (not in any individuals) in TopMed. The variant is classified as pathogenic by the AlphaMissense database. 2 variants within 6 amino acid positions of the variant p.Thr224Ala have been shown to be pathogenic, while none have been shown to be benign. The p.Thr224Ala missense variant is predicted to be damaging by both SIFT and PolyPhen2. The threonine residue at codon 224 of SLC25A46 is conserved in all mammalian species. The nucleotide c.670 in SLC25A46 is predicted conserved by GERP++ and PhyloP across 100 vertebrates. In addition, the phenotype of the proband matches with the disorder caused by pathogenic variants in SLC25A46 gene. For these reasons, this variant has been classified as Likely Pathogenic (ACMG criteria- PM2, PM1, PP3, PS1).

Diagnostics Services (NGS), CSIR - Centre For Cellular And Molecular Biology
Classification: Uncertain significance for Neuropathy, hereditary motor and sensory, type 6B. Last evaluated: 2022-08-18. Review status: criteria provided, single submitter. Criteria: ACMG Guidelines, 2015. Collection method: clinical testing. Allele origin: unknown. Affected: yes. Observed: 1 variant allele, 1 homozygote.
Comment: The c.670A>G variant is not present in publicly available population databases like 1000 Genomes, Exome Variant Server (EVS) and Indian Exome Database. The variant is present in Exome Aggregation Consortium (ExAC), Genome Aggregation Database (gnomAD), at a low frequency. The variant is not present in our in-house exome database. This variant has not been published in literature and has not been reported to clinical databases like ClinVar, Human Genome Mutation Database (HGMD), OMIM, in any affected individuals. In-silico pathogenicity prediction programs like SIFT, Polyphen-2, MutationTaster2, CADD etc. predicted this variant to be likely deleterious. The variant is located near the exon-intron splice-junction (splice-distance 9 bp) and Human Splicing Finder v3.1 (HSF3.1) predicted that this variant may affect splicing by the activation of a cryptic Acceptor site, however these predictions were not confirmed by any published functional/transcriptional studies.

Cambridge Genomics Laboratory, East Genomic Laboratory Hub, NHS Genomic Medicine Service
Classification: Likely pathogenic for Intellectual disability. Last evaluated: 2021-01-15. Review status: criteria provided, single submitter. Criteria: ACGS Best Practice Guidelines for Variant Classification in Rare Disease 2020. Collection method: clinical testing. Allele origin: germline. Affected: yes. Observed: 1 variant allele.

Center for Human Genetics and Genomic Medicine, Uniklinik Rwth Aachen
Classification: Likely pathogenic for Neuropathy, hereditary motor and sensory, type 6B. Review status: criteria provided, single submitter. Criteria: ACMG Guidelines, 2015. Collection method: clinical testing. Allele origin: biparental. Inheritance: Autosomal recessive inheritance. Affected: yes. Observed: 1 homozygote.